The following is an entry in ClinVar:

ClinVar aggregate classification (germline): Uncertain significance. Review status: criteria provided, multiple submitters, no conflicts (2 of 4 stars). 2 submissions from 2 submitters: Uncertain significance (2). Last evaluated 2026-02-09.

gnomAD v4.1: 8 of 1,613,542 alleles (0.0005%); highest among the groups gnomAD compares: Admixed American, 0.013%; 1 homozygote.

Submissions (2):

Women's Health and Genetics/Laboratory Corporation of America, LabCorp
Classification: Uncertain significance. Last evaluated: 2026-02-09. Review status: criteria provided, single submitter. Criteria: LabCorp Variant Classification Summary - May 2015. Collection method: clinical testing. Allele origin: germline.
Comment: Variant summary: GBA1 c.103T>C (p.Ser35Pro) results in a non-conservative amino acid change in the encoded protein sequence. Algorithms developed to predict the effect of missense changes on protein structure and function are either unavailable or do not agree on the potential impact of this missense change. The variant allele was found at a frequency of 2.4e-05 in 250944 control chromosomes in the gnomAD database, including 1 homozygote. The available data on variant occurrences in the general population are insufficient to allow any conclusion about variant significance. To our knowledge, no occurrence of c.103T>C in individuals affected with GBA1-related conditions and no experimental evidence demonstrating its impact on protein function have been reported. ClinVar contains an entry for this variant (Variation ID: 3853079). Based on the evidence outlined above, the variant was classified as uncertain significance.

Ambry Genetics
Classification: Uncertain significance. Last evaluated: 2025-01-18. Review status: criteria provided, single submitter. Criteria: Ambry Variant Classification Scheme 2023. Collection method: clinical testing. Allele origin: germline.

NM_000157.4(GBA1):c.103T>C (p.Ser35Pro)

Gene: GBA1 (glucosylceramidase beta 1; minus strand). Cytogenetic location: 1q22.
Variant type: single nucleotide variant.
Coding change: c.103T>C on transcript NM_000157.4 (MANE Select); coding-DNA position 103, T replaced by C.
Protein change: p.Ser35Pro; replaces serine 35 with proline.
Molecular consequence: missense variant. On other transcripts: intron variant (1).
Genome position (GRCh38, 1-based): chr1:155,240,642, A>G on the plus strand (T>C on the coding strand, the complement: GBA1 is on the minus strand). VCF-style: chr1-155240642-A-G. GRCh37 (hg19) VCF-style: chr1-155210433-A-G.
Other names: c.103T>C, p.Ser35Pro (NM_001005741.3, NM_001005742.3, NM_001171812.2); c.-146-565T>C (NM_001171811.2); short protein forms S35P.
Identifiers: ClinVar variation 3853079 (VCV003853079.2).